The following is an entry in ClinVar:

NM_001128178.3(NPHP1):c.722A>C (p.Lys241Thr)

Gene: NPHP1 (nephrocystin 1; minus strand). Cytogenetic location: 2q13.
Variant type: single nucleotide variant.
Coding change: c.722A>C on transcript NM_001128178.3 (MANE Select); coding-DNA position 722, A replaced by C.
Protein change: p.Lys241Thr; replaces lysine 241 with threonine.
Molecular consequence: missense variant.
Genome position (GRCh38, 1-based): chr2:110,165,058, T>G on the plus strand (A>C on the coding strand, the complement: NPHP1 is on the minus strand). VCF-style: chr2-110165058-T-G. GRCh37 (hg19) VCF-style: chr2-110922635-T-G.
Other names: c.722A>C, p.Lys241Thr (NM_000272.5, NM_001374256.1, NM_001374257.1 and 1 more transcripts); c.536A>C, p.Lys179Thr (NM_001128179.3); c.722A>C (NM_000272.3); short protein forms K241T, K179T.
Identifiers: ClinVar variation 2117007 (VCV002117007.5), dbSNP rs754535615, ClinGen allele CA1827302.

ClinVar aggregate classification (germline): Uncertain significance. Review status: criteria provided, multiple submitters, no conflicts (2 of 4 stars). 2 submissions from 2 submitters: Uncertain significance (2). Last evaluated 2025-04-08.

Conditions:
NPHP1-related disorder. Also called: NPHP1-related condition; NPHP1-related disorders.
Nephronophthisis. Also called: Juvenile Nephronophthisis. Identifiers: Orphanet 655, MedGen C0687120, MONDO:0019005, HP:0000090.

Allele frequency attached by ClinVar (database versions not stated): ExAC 0.00001.
gnomAD v4.1: 1 of 1,612,570 alleles (0.000062%); highest among the groups gnomAD compares: Admixed American, 0.0017%; no homozygotes.

Submissions (2):

PreventionGenetics, part of Exact Sciences
Classification: Uncertain significance for NPHP1-related condition. Last evaluated: 2025-04-08. Review status: criteria provided, single submitter. Criteria: ACMG Guidelines, 2015. Collection method: clinical testing. Allele origin: germline.
Comment: The NPHP1 c.722A>C variant is predicted to result in the amino acid substitution p.Lys241Thr. To our knowledge, this variant has not been reported in the literature. This variant is reported in 0.0029% of alleles in individuals of Latino descent in gnomAD. At this time, the clinical significance of this variant is uncertain due to the absence of conclusive functional and genetic evidence.

Labcorp Genetics (formerly Invitae), Labcorp
Classification: Uncertain significance for Nephronophthisis. Last evaluated: 2022-08-06. Review status: criteria provided, single submitter. Criteria: Invitae Variant Classification Sherloc (09022015). Collection method: clinical testing. Allele origin: germline.
Comment: This variant has not been reported in the literature in individuals affected with NPHP1-related conditions. Algorithms developed to predict the effect of missense changes on protein structure and function are either unavailable or do not agree on the potential impact of this missense change (SIFT: "Tolerated"; PolyPhen-2: "Probably Damaging"; Align-GVGD: "Class C0"). In summary, the available evidence is currently insufficient to determine the role of this variant in disease. Therefore, it has been classified as a Variant of Uncertain Significance. This variant is present in population databases (rs754535615, gnomAD 0.003%). This sequence change replaces lysine, which is basic and polar, with threonine, which is neutral and polar, at codon 241 of the NPHP1 protein (p.Lys241Thr).